The following is an entry in ClinVar:

NM_001039591.3(USP9X):c.1748C>T (p.Ala583Val)

Gene: USP9X (ubiquitin specific peptidase 9 X-linked; plus strand). Cytogenetic location: Xp11.4.
Variant type: single nucleotide variant.
Coding change: c.1748C>T on transcript NM_001039591.3 (MANE Select); coding-DNA position 1748, C replaced by T.
Protein change: p.Ala583Val; replaces alanine 583 with valine.
Molecular consequence: missense variant.
Genome position (GRCh38, 1-based): chrX:41,151,042, C>T. VCF-style: chrX-41151042-C-T. GRCh37 (hg19) VCF-style: chrX-41010295-C-T.
Other names: c.1748C>T, p.Ala583Val (NM_001039590.3, NM_001410748.1, NM_001410749.1); short protein forms A583V.
Identifiers: ClinVar variation 1800920 (VCV001800920.1), dbSNP rs758204940, ClinGen allele CA10388468.
Genomic context (GRCh38, chrX:41,151,042, plus strand): 5'-ACAAATGGGTTATTCCCGCACTGAAACAAATTAGAGAAATTTGTAGTTTGTTTGGTGAAG[C>T]GCCTCAAAATTTGAGGTAAGACTTTTTAACATAGAAAATTTCAATACTTAAAATTTATGT-3'
Protein context (NP_001034680.2, residues 573-593): IREICSLFGE[Ala583Val]PQNLSQTQRS

ClinVar aggregate classification (germline): Uncertain significance (1 of 4 stars; one submission).

Allele frequency attached by ClinVar (database versions not stated): gnomAD exomes below 0.00001; gnomAD 0.00001; ExAC 0.00002.
gnomAD v4.1: 4 of 1,198,382 alleles (0.00033%); highest among the groups gnomAD compares: African/African-American, 0.0018%; no homozygotes.

Submission:

GeneDx
Classification: Uncertain significance. Last evaluated: 2022-05-27. Review status: criteria provided, single submitter. Criteria: GeneDx Variant Classification Process June 2021. Collection method: clinical testing. Allele origin: germline. Affected: yes.
Comment: In silico analysis supports that this missense variant does not alter protein structure/function; Has not been previously published as pathogenic or benign to our knowledge